The following is an entry in ClinVar:

ClinVar aggregate classification (germline): Uncertain significance (1 of 4 stars; one submission).

Conditions:
Atypical hemolytic-uremic syndrome. Identifiers: Orphanet 2134, MedGen C2931788, MONDO:0016244.

Submission:

Genomenon, Inc
Classification: Uncertain significance for Atypical hemolytic-uremic syndrome. Last evaluated: 2025-10-02. Review status: criteria provided, single submitter. Criteria: Genomenon Sequence Variant Interpretation Standards - Updated. Collection method: curation. Allele origin: germline. Affected: yes.
Comment: CFH p.Cys915Ser (c.2743T>A) is a missense variant that changes the amino acid at residue 915 from Cysteine to Serine. This variant has been observed in at least one proband affected with atypical hemolytic-uremic syndrome (PMID:14978182). It is absent or not present at a significant frequency in gnomAD. In silico models agree that this variant is possibly or probably damaging. In conclusion, we classify CFH p.Cys915Ser (c.2743T>A) as a variant of uncertain significance.

Literature cited by the submitters: PubMed 14978182.

NM_000186.4(CFH):c.2743T>A (p.Cys915Ser)

Gene: CFH (complement factor H; plus strand). Cytogenetic location: 1q31.3.
Variant type: single nucleotide variant.
Coding change: c.2743T>A on transcript NM_000186.4 (MANE Select); coding-DNA position 2743, T replaced by A.
Protein change: p.Cys915Ser; replaces cysteine 915 with serine.
Molecular consequence: missense variant.
Genome position (GRCh38, 1-based): chr1:196,737,621, T>A. VCF-style: chr1-196737621-T-A. GRCh37 (hg19) VCF-style: chr1-196706751-T-A.
Other names: short protein forms C915S.
Identifiers: ClinVar variation 4291664 (VCV004291664.1).
Genomic context (GRCh38, chr1:196,737,621, plus strand): 5'-ACTAAATTGAGTTATACTTGTGAGGGTGGTTTCAGGATATCTGAAGAAAATGAAACAACA[T>A]GCTACATGGGAAAATGGAGTTCTCCACCTCAGTGTGAAGGTTAGGCCAATATGAATACTC-3'
Protein context (NP_000177.2, residues 905-925): FRISEENETT[Cys915Ser]YMGKWSSPPQ